The following is an entry in ClinVar:

ClinVar aggregate classification (germline): Benign. Review status: criteria provided, single submitter (1 of 4 stars). 2 submissions from 2 submitters: Benign (1). 1 of the submissions does not count toward it. Last evaluated 2026-01-24.

Conditions:
IREB2-related disorder. Also called: IREB2-related condition.

Allele frequency attached by ClinVar (database versions not stated): gnomAD exomes 0.00277; ExAC 0.00339; gnomAD 0.00955 and 0.00978; 1000 Genomes Project 30x 0.00984; 1000 Genomes Project 0.01098; TOPMed 0.01109; ESP Exome Variant Server 0.01179.
gnomAD v4.1: 3,003 of 1,595,838 alleles (0.19%); highest among the groups gnomAD compares: African/African-American, 3.4%; 49 homozygotes.

Submissions (2):

Labcorp Genetics (formerly Invitae), Labcorp
Classification: Benign. Last evaluated: 2026-01-24. Review status: criteria provided, single submitter. Criteria: Invitae Variant Classification Sherloc (09022015). Collection method: clinical testing. Allele origin: germline.

PreventionGenetics, part of Exact Sciences
Classification: Benign for IREB2-related condition. Last evaluated: 2019-11-13. Review status: no assertion criteria provided. Collection method: clinical testing. Allele origin: germline. Not counted in ClinVar's aggregate classification.
Comment: This variant is classified as benign based on ACMG/AMP sequence variant interpretation guidelines (Richards et al. 2015 PMID: 25741868, with internal and published modifications).

NM_004136.4(IREB2):c.629+7G>T

Gene: IREB2 (iron responsive element binding protein 2; plus strand). Cytogenetic location: 15q25.1.
Variant type: single nucleotide variant.
Coding change: c.629+7G>T on transcript NM_004136.4 (MANE Select); 7 bases into the intron after coding-DNA position 629, G replaced by T.
Molecular consequence: intron variant.
Genome position (GRCh38, 1-based): chr15:78,466,496, G>T. VCF-style: chr15-78466496-G-T. GRCh37 (hg19) VCF-style: chr15-78758838-G-T.
Other names: c.458+7G>T (NM_001354994.2, NM_001320942.2); c.-52+7G>T (NM_001320941.2); c.629+7G>T (NM_001320943.2).
Identifiers: ClinVar variation 781312 (VCV000781312.11), dbSNP rs115506959, ClinGen allele CA7682742.